The following is an entry in ClinVar:

NM_001127208.3(TET2):c.2684T>C (p.Val895Ala)

Genes: TET2 (tet methylcytosine dioxygenase 2; plus strand), TET2-AS1 (TET2 antisense RNA 1; minus strand). Cytogenetic location: 4q24.
Variant type: single nucleotide variant.
Coding change: c.2684T>C on transcript NM_001127208.3 (MANE Select); coding-DNA position 2684, T replaced by C.
Protein change: p.Val895Ala; replaces valine 895 with alanine.
Molecular consequence: missense variant.
Genome position (GRCh38, 1-based): chr4:105,236,626, T>C. VCF-style: chr4-105236626-T-C. GRCh37 (hg19) VCF-style: chr4-106157783-T-C.
Other names: c.2684T>C, p.Val895Ala (NM_017628.4); short protein forms V895A.
Identifiers: ClinVar variation 4182995 (VCV004182995.1).

ClinVar aggregate classification (germline): Uncertain significance (1 of 4 stars; one submission).

Submission:

Ambry Genetics
Classification: Uncertain significance. Last evaluated: 2025-07-28. Review status: criteria provided, single submitter. Criteria: Ambry Variant Classification Scheme 2023. Collection method: clinical testing. Allele origin: germline.
Comment: The p.V895A variant (also known as c.2684T>C), located in coding exon 1 of the TET2 gene, results from a T to C substitution at nucleotide position 2684. The valine at codon 895 is replaced by alanine, an amino acid with similar properties. This amino acid position is conserved. In addition, this alteration is predicted to be tolerated by in silico analysis. Based on the available evidence, the clinical significance of this variant remains unclear.